The following is an entry in ClinVar:

ClinVar aggregate classification (germline): Likely benign (0 of 4 stars; one submission).

Conditions:
RANBP17-related disorder. Also called: RANBP17-related condition.

Allele frequency attached by ClinVar (database versions not stated): gnomAD 0.00002; TOPMed 0.00002.
gnomAD v4.1: 12 of 1,460,996 alleles (0.00082%); highest among the groups gnomAD compares: Middle Eastern, 0.024%; no homozygotes.

Submission:

PreventionGenetics, part of Exact Sciences
Classification: Likely benign for RANBP17-related condition. Last evaluated: 2019-03-12. Review status: no assertion criteria provided. Collection method: clinical testing. Allele origin: germline.
Comment: This variant is classified as likely benign based on ACMG/AMP sequence variant interpretation guidelines (Richards et al. 2015 PMID: 25741868, with internal and published modifications).

NM_022897.5(RANBP17):c.-2A>G

Gene: RANBP17 (RAN binding protein 17; plus strand). Cytogenetic location: 5q35.1.
Variant type: single nucleotide variant.
Coding change: c.-2A>G on transcript NM_022897.5 (MANE Select); 2 bases upstream of the start codon, A replaced by G.
Molecular consequence: 5 prime UTR variant.
Genome position (GRCh38, 1-based): chr5:170,862,032, A>G. VCF-style: chr5-170862032-A-G. GRCh37 (hg19) VCF-style: chr5-170289036-A-G.
Identifiers: ClinVar variation 3046584 (VCV003046584.2), dbSNP rs1019528897, ClinGen allele CA132073928.